The following is an entry in ClinVar:

NM_003200.5(TCF3):c.817C>T (p.Arg273Cys)

Gene: TCF3 (transcription factor 3; minus strand). Cytogenetic location: 19p13.3.
Variant type: single nucleotide variant.
Coding change: c.817C>T on transcript NM_003200.5 (MANE Select); coding-DNA position 817, C replaced by T.
Protein change: p.Arg273Cys; replaces arginine 273 with cysteine.
Molecular consequence: missense variant.
Genome position (GRCh38, 1-based): chr19:1,622,059, G>A on the plus strand (C>T on the coding strand, the complement: TCF3 is on the minus strand). VCF-style: chr19-1622059-G-A. GRCh37 (hg19) VCF-style: chr19-1622058-G-A.
Other names: c.817C>T, p.Arg273Cys (NM_001136139.4, NM_001351778.2, NM_001351779.2); short protein forms R273C.
Identifiers: ClinVar variation 2863293 (VCV002863293.4), dbSNP rs753558041, ClinGen allele CA9050225.

ClinVar aggregate classification (germline): Uncertain significance. Review status: criteria provided, multiple submitters, no conflicts (2 of 4 stars). 2 submissions from 2 submitters: Uncertain significance (2). Last evaluated 2025-07-29.

Allele frequency attached by ClinVar (database versions not stated): ExAC 0.00004; gnomAD exomes 0.00004; TOPMed 0.00004; gnomAD 0.00005.
gnomAD v4.1: 63 of 1,595,404 alleles (0.0039%); highest among the groups gnomAD compares: Non-Finnish European, 0.0048%; no homozygotes.

Submissions (2):

Labcorp Genetics (formerly Invitae), Labcorp
Classification: Uncertain significance. Last evaluated: 2025-07-29. Review status: criteria provided, single submitter. Criteria: Invitae Variant Classification Sherloc (09022015). Collection method: clinical testing. Allele origin: germline.
Comment: This sequence change replaces arginine, which is basic and polar, with cysteine, which is neutral and slightly polar, at codon 273 of the TCF3 protein (p.Arg273Cys). This variant is present in population databases (rs753558041, gnomAD 0.004%). This variant has not been reported in the literature in individuals affected with TCF3-related conditions. ClinVar contains an entry for this variant (Variation ID: 2863293). Invitae Evidence Modeling of protein sequence and biophysical properties (such as structural, functional, and spatial information, amino acid conservation, physicochemical variation, residue mobility, and thermodynamic stability) indicates that this missense variant is expected to disrupt TCF3 protein function with a positive predictive value of 80%. In summary, the available evidence is currently insufficient to determine the role of this variant in disease. Therefore, it has been classified as a Variant of Uncertain Significance.

Blueprint Genetics
Classification: Uncertain significance. Last evaluated: 2024-04-05. Review status: criteria provided, single submitter. Criteria: ACMG Guidelines, 2015. Collection method: clinical testing. Allele origin: germline.